The following is an entry in ClinVar:

NM_001029883.3(PCARE):c.1453G>A (p.Glu485Lys)

Gene: PCARE (photoreceptor cilium actin regulator; minus strand). Cytogenetic location: 2p23.2.
Variant type: single nucleotide variant.
Coding change: c.1453G>A on transcript NM_001029883.3 (MANE Select); coding-DNA position 1453, G replaced by A.
Protein change: p.Glu485Lys; replaces glutamic acid 485 with lysine.
Molecular consequence: missense variant.
Genome position (GRCh38, 1-based): chr2:29,072,809, C>T on the plus strand (G>A on the coding strand, the complement: PCARE is on the minus strand). VCF-style: chr2-29072809-C-T. GRCh37 (hg19) VCF-style: chr2-29295675-C-T.
Other names: short protein forms E485K.
Identifiers: ClinVar variation 1004188 (VCV001004188.8), dbSNP rs371845764, ClinGen allele CA44642948.
Genomic context (GRCh38, chr2:29,072,809, plus strand): 5'-AGGCACACAGACTCATGCTGCTCATTTTGTCTTCCTCCTCCTCCTCTGGGCTGCTGTCCT[C>T]GCTGTCACTAAGAGATGAAGCGTCCATCGGCCTGGAGGTTTTGGAAAGGTGTGGTTCCAC-3'
Protein context (NP_001025054.1, residues 475-495): PMDASSLSDS[Glu485Lys]DSSPEEEEED

ClinVar aggregate classification (germline): Uncertain significance. Review status: criteria provided, multiple submitters, no conflicts (2 of 4 stars). 3 submissions from 3 submitters: Uncertain significance (3). Last evaluated 2024-01-12.

Conditions:
Retinal dystrophy. Also called: Inherited retinal dystrophy. Identifiers: Orphanet 71862, MedGen C0854723, MeSH D058499, MONDO:0019118, HP:0000556.

Allele frequency attached by ClinVar (database versions not stated): gnomAD exomes 0.00003 and 0.00005; ESP Exome Variant Server 0.00008; gnomAD 0.00026 and 0.00031; TOPMed 0.00036.
gnomAD v4.1: 83 of 1,614,040 alleles (0.0051%); highest among the groups gnomAD compares: Admixed American, 0.068%; no homozygotes.

Submissions (3):

Blueprint Genetics
Classification: Uncertain significance. Last evaluated: 2024-01-12. Review status: criteria provided, single submitter. Criteria: ACMG Guidelines, 2015. Collection method: clinical testing. Allele origin: germline.

Labcorp Genetics (formerly Invitae), Labcorp
Classification: Uncertain significance. Last evaluated: 2023-11-13. Review status: criteria provided, single submitter. Criteria: Invitae Variant Classification Sherloc (09022015). Collection method: clinical testing. Allele origin: germline.
Comment: This sequence change replaces glutamic acid, which is acidic and polar, with lysine, which is basic and polar, at codon 485 of the PCARE protein (p.Glu485Lys). The frequency data for this variant in the population databases is considered unreliable, as metrics indicate poor data quality at this position in the gnomAD database. This variant has not been reported in the literature in individuals affected with PCARE-related conditions. ClinVar contains an entry for this variant (Variation ID: 1004188). An algorithm developed to predict the effect of missense changes on protein structure and function (PolyPhen-2) suggests that this variant is likely to be disruptive. In summary, the available evidence is currently insufficient to determine the role of this variant in disease. Therefore, it has been classified as a Variant of Uncertain Significance.

Dept Of Ophthalmology, Nagoya University
Classification: Uncertain significance for Retinal dystrophy. Last evaluated: 2023-10-01. Review status: criteria provided, single submitter. Criteria: Submitter's publication. Collection method: research. Allele origin: germline. Affected: yes.